The following is an entry in ClinVar:

NM_017654.4(SAMD9):c.4414C>T (p.His1472Tyr)

Gene: SAMD9 (sterile alpha motif domain containing 9; minus strand). Cytogenetic location: 7q21.2.
Variant type: single nucleotide variant.
Coding change: c.4414C>T on transcript NM_017654.4 (MANE Select); coding-DNA position 4414, C replaced by T.
Protein change: p.His1472Tyr; replaces histidine 1472 with tyrosine.
Molecular consequence: missense variant.
Genome position (GRCh38, 1-based): chr7:93,101,684, G>A on the plus strand (C>T on the coding strand, the complement: SAMD9 is on the minus strand). VCF-style: chr7-93101684-G-A. GRCh37 (hg19) VCF-style: chr7-92730997-G-A.
Other names: c.4414C>T, p.His1472Tyr (NM_001193307.2); short protein forms H1472Y.
Identifiers: ClinVar variation 2446582 (VCV002446582.5), dbSNP rs767093575, ClinGen allele CA4342555.
Genomic context (GRCh38, chr7:93,101,684, plus strand): 5'-GTCTTTCCAGTCTTTTACCTTTTCCAAGAAAGAAATATGCAATTGGTTGCTTTGTACGAT[G>A]CATATGTTTATATTGCCCCTTGAAAGAATTTTTTAGTGCTTGAGCATACTCTTTCATTTG-3'
Protein context (NP_060124.2, residues 1462-1482): NSFKGQYKHM[His1472Tyr]RTKQPIAYFF

ClinVar aggregate classification (germline): Conflicting classifications of pathogenicity. Review status: criteria provided, conflicting classifications (1 of 4 stars). 4 submissions from 4 submitters: Uncertain significance (3); Likely benign (1). Last evaluated 2025-06-03.

Conditions:
Inborn genetic diseases. Identifiers: MedGen C0950123, MeSH D030342.

Allele frequency attached by ClinVar (database versions not stated): gnomAD 0.00001; TOPMed 0.00001; gnomAD exomes below 0.00001; ExAC 0.00001.
gnomAD v4.1: 2 of 1,613,330 alleles (0.00012%); highest among the groups gnomAD compares: Admixed American, 0.0017%; no homozygotes.

Submissions (4):

Women's Health and Genetics/Laboratory Corporation of America, LabCorp
Classification: Uncertain significance. Last evaluated: 2025-06-03. Review status: criteria provided, single submitter. Criteria: LabCorp Variant Classification Summary - May 2015. Collection method: clinical testing. Allele origin: germline.
Comment: Variant summary: SAMD9 c.4414C>T (p.His1472Tyr) results in a conservative amino acid change in the encoded protein sequence. Algorithms developed to predict the effect of missense changes on protein structure and function all suggest that this variant is likely to be tolerated. The frequency data for this variant in gnomAD is considered unreliable, as metrics indicate poor data quality at this position. To our knowledge, no occurrence of c.4414C>T in individuals affected with MIRAGE Syndrome and no experimental evidence demonstrating its impact on protein function have been reported. ClinVar contains an entry for this variant (Variation ID: 2446582). Based on the evidence outlined above, the variant was classified as uncertain significance.

Labcorp Genetics (formerly Invitae), Labcorp
Classification: Uncertain significance. Last evaluated: 2025-04-28. Review status: criteria provided, single submitter. Criteria: Invitae Variant Classification Sherloc (09022015). Collection method: clinical testing. Allele origin: germline.
Comment: This sequence change replaces histidine, which is basic and polar, with tyrosine, which is neutral and polar, at codon 1472 of the SAMD9 protein (p.His1472Tyr). This variant is not present in population databases (gnomAD no frequency). This variant has not been reported in the literature in individuals affected with SAMD9-related conditions. ClinVar contains an entry for this variant (Variation ID: 2446582). Invitae Evidence Modeling of protein sequence and biophysical properties (such as structural, functional, and spatial information, amino acid conservation, physicochemical variation, residue mobility, and thermodynamic stability) indicates that this missense variant is not expected to disrupt SAMD9 protein function with a negative predictive value of 95%. In summary, the available evidence is currently insufficient to determine the role of this variant in disease. Therefore, it has been classified as a Variant of Uncertain Significance.

Ambry Genetics
Classification: Likely benign for Inborn genetic diseases. Last evaluated: 2024-12-03. Review status: criteria provided, single submitter. Criteria: Ambry Variant Classification Scheme 2023. Collection method: clinical testing. Allele origin: germline.

GeneDx
Classification: Uncertain significance. Last evaluated: 2022-09-30. Review status: criteria provided, single submitter. Criteria: GeneDx Variant Classification Process June 2021. Collection method: clinical testing. Allele origin: germline. Affected: yes.
Comment: Not observed at significant frequency in large population cohorts (gnomAD); In silico analysis supports that this missense variant does not alter protein structure/function; Has not been previously published as pathogenic or benign to our knowledge